The following is an entry in ClinVar:

ClinVar aggregate classification (germline): Likely benign (1 of 4 stars; one submission).

Conditions:
CBFB-related disorder. Also called: CBFB-related condition.

gnomAD v4.1: 135 of 1,569,380 alleles (0.0086%); highest among the groups gnomAD compares: South Asian, 0.15%; 1 homozygote.

Submission:

PreventionGenetics, part of Exact Sciences
Classification: Likely benign for CBFB-related condition. Last evaluated: 2026-03-24. Review status: criteria provided, single submitter. Criteria: ACMG Guidelines, 2015. Collection method: clinical testing. Allele origin: germline.
Comment: This variant is classified as likely benign based on ACMG/AMP sequence variant interpretation guidelines (Richards et al. 2015 PMID: 25741868, with internal and published modifications).

NM_022845.3(CBFB):c.12C>T (p.Val4=)

Genes: CBFB (core-binding factor subunit beta; plus strand), LOC130059175 (ATAC-STARR-seq lymphoblastoid silent region 7577; plus strand). Cytogenetic location: 16q22.1.
Variant type: single nucleotide variant.
Coding change: c.12C>T on transcript NM_022845.3 (MANE Select); coding-DNA position 12, C replaced by T.
Protein change: p.Val4=; no amino-acid change (valine 4 retained).
Molecular consequence: synonymous variant.
Genome position (GRCh38, 1-based): chr16:67,029,419, C>T. VCF-style: chr16-67029419-C-T. GRCh37 (hg19) VCF-style: chr16-67063322-C-T.
Other names: c.12C>T, p.Val4= (NM_001368707.1, NM_001368708.1, NM_001368709.1 and 2 more transcripts).
Identifiers: ClinVar variation 4984017 (VCV004984017.1).